The following is an entry in ClinVar:

NM_018706.7(DHTKD1):c.1498C>G (p.Pro500Ala)

Gene: DHTKD1 (dehydrogenase E1 and transketolase domain containing 1; plus strand). Cytogenetic location: 10p14.
Variant type: single nucleotide variant.
Coding change: c.1498C>G on transcript NM_018706.7 (MANE Select); coding-DNA position 1498, C replaced by G.
Protein change: p.Pro500Ala; replaces proline 500 with alanine.
Molecular consequence: missense variant.
Genome position (GRCh38, 1-based): chr10:12,097,823, C>G. VCF-style: chr10-12097823-C-G. GRCh37 (hg19) VCF-style: chr10-12139822-C-G.
Other names: short protein forms P500A.
Identifiers: ClinVar variation 1718256 (VCV001718256.6), dbSNP rs2491491752, ClinGen allele CA376021415.

ClinVar aggregate classification (germline): Uncertain significance (1 of 4 stars; one submission).

Conditions:
2-aminoadipic 2-oxoadipic aciduria (AAKAD). Also called: Aminoadipic aciduria; ALPHA-AMINOADIPIC AND ALPHA-KETOADIPIC ACIDURIA. Identifiers: Orphanet 79154, MedGen C1859817, MONDO:0008774, OMIM 204750.

Allele frequency attached by ClinVar (database versions not stated): gnomAD exomes below 0.00001.
gnomAD v4.1: 1 of 1,614,216 alleles (0.000062%); highest among the groups gnomAD compares: African/African-American, 0.0013%; no homozygotes.

Submission:

Labcorp Genetics (formerly Invitae), Labcorp
Classification: Uncertain significance for 2-aminoadipic 2-oxoadipic aciduria. Last evaluated: 2022-08-30. Review status: criteria provided, single submitter. Criteria: Invitae Variant Classification Sherloc (09022015). Collection method: clinical testing. Allele origin: germline.
Comment: This variant is not present in population databases (gnomAD no frequency). This sequence change replaces proline, which is neutral and non-polar, with alanine, which is neutral and non-polar, at codon 500 of the DHTKD1 protein (p.Pro500Ala). In summary, the available evidence is currently insufficient to determine the role of this variant in disease. Therefore, it has been classified as a Variant of Uncertain Significance. Algorithms developed to predict the effect of missense changes on protein structure and function (SIFT, PolyPhen-2, Align-GVGD) all suggest that this variant is likely to be disruptive. This variant has not been reported in the literature in individuals affected with DHTKD1-related conditions.